The following is an entry in ClinVar:

ClinVar aggregate classification (germline): Uncertain significance (1 of 4 stars; one submission).

Conditions:
Multiple endocrine neoplasia, type 2 (MEN2). Identifiers: Orphanet 653, MedGen C4048306, MONDO:0019003. Disease mechanism: gain of function.

Submission:

Labcorp Genetics (formerly Invitae), Labcorp
Classification: Uncertain significance for Multiple endocrine neoplasia, type 2. Last evaluated: 2023-07-03. Review status: criteria provided, single submitter. Criteria: Invitae Variant Classification Sherloc (09022015). Collection method: clinical testing. Allele origin: germline.
Comment: This sequence change replaces glutamic acid, which is acidic and polar, with aspartic acid, which is acidic and polar, at codon 169 of the RET protein (p.Glu169Asp). This variant is not present in population databases (gnomAD no frequency). This variant has not been reported in the literature in individuals affected with RET-related conditions. Algorithms developed to predict the effect of missense changes on protein structure and function output the following: SIFT: "Not Available"; PolyPhen-2: "Benign"; Align-GVGD: "Not Available". The aspartic acid amino acid residue is found in multiple mammalian species, which suggests that this missense change does not adversely affect protein function. In summary, the available evidence is currently insufficient to determine the role of this variant in disease. Therefore, it has been classified as a Variant of Uncertain Significance.

NM_020975.6(RET):c.507G>C (p.Glu169Asp)

Gene: RET (ret proto-oncogene; plus strand). Cytogenetic location: 10q11.21.
Variant type: single nucleotide variant.
Coding change: c.507G>C on transcript NM_020975.6 (MANE Select); coding-DNA position 507, G replaced by C.
Protein change: p.Glu169Asp; replaces glutamic acid 169 with aspartic acid.
Molecular consequence: missense variant. On other transcripts: intron variant (15).
Genome position (GRCh38, 1-based): chr10:43,102,511, G>C. VCF-style: chr10-43102511-G-C. GRCh37 (hg19) VCF-style: chr10-43597959-G-C.
Other names: c.337+1789G>C (NM_001406776.1, NM_001406777.1, NM_001406790.1 and 8 more transcripts); c.74-6520G>C (NM_001406784.1); c.74-9588G>C (NM_001406794.1, NM_001406792.1, NM_001406793.1); c.378G>C, p.Glu126Asp (NM_001406768.1, NM_001406774.1, NM_001406761.1 and 4 more transcripts); c.507G>C, p.Glu169Asp (NM_001406769.1, NM_001406771.1, NM_001406772.1 and 16 more transcripts); short protein forms E126D, E169D.
Identifiers: ClinVar variation 2700620 (VCV002700620.3), dbSNP rs2132682261, ClinGen allele CA376543300.
Genomic context (GRCh38, chr10:43,102,511, plus strand): 5'-CTTCAACACCTCCTTTCCAGCCTGCAGCTCCCTCAAGCCCCGGGAGCTCTGCTTCCCAGA[G>C]ACAAGGCCCTCCTTCCGCATTCGGGAGAACCGACCCCCAGGCACCTTCCACCAGTTCCGC-3'
Protein context (NP_066124.1, residues 159-179): SLKPRELCFP[Glu169Asp]TRPSFRIREN